The following is an entry in ClinVar:

ClinVar aggregate classification (germline): Pathogenic. Review status: criteria provided, multiple submitters, no conflicts (2 of 4 stars). 6 submissions from 6 submitters: Pathogenic (5). 1 of the submissions does not count toward it. Last evaluated 2026-05-19.

Conditions:
Chronic granulomatous disease. Identifiers: Orphanet 379, MedGen C0018203, MONDO:0018305.
Granulomatous disease, chronic, autosomal recessive, cytochrome b-negative. Also called: CGD DUE TO DEFICIENCY OF THE ALPHA SUBUNIT OF CYTOCHROME b; CGD, AUTOSOMAL RECESSIVE CYTOCHROME b-NEGATIVE; CYBA DEFICIENCY; GRANULOMATOUS DISEASE, CHRONIC, AUTOSOMAL RECESSIVE, 4; Chronic granulomatous disease, autosomal, due to deficiency of CYBA. Identifiers: Orphanet 379, MedGen C1856255, MONDO:0009308, OMIM 233690.

Allele frequency attached by ClinVar (database versions not stated): TOPMed 0.00001; ExAC 0.00003; gnomAD exomes 0.00001.

Submissions (6):

Molecular Diagnostic Laboratory, Beijing Chigene Translational Medicine Research Center
Classification: Pathogenic for Granulomatous disease, chronic, autosomal recessive, cytochrome b-negative. Last evaluated: 2026-05-19. Review status: criteria provided, single submitter. Criteria: ACMG Guidelines, 2015. Collection method: clinical testing. Allele origin: germline. Inheritance: Autosomal recessive inheritance. Affected: yes.
Comment: This c.7C>T variant is a nonsense variant predicted to result in a premature stop codon (p.Gln3*), which most likely leads to nonsense-mediated mRNA decay and protein truncation. Loss-of-function variants in the CYBA gene are well-established to be pathogenic (PMID: 10910929). This variant is extremely rare in the general population according to gnomAD database data. It has been detected in no fewer than 25 patients with autosomal recessive chronic granulomatous disease, including three in-house cases (three in-house cases,PMID: 35140711, 10759707, 19949658, 29560547, 22336310). In summary, this variant is classified as pathogenic based on sufficient available evidence.

Natera, Inc.
Classification: Pathogenic for Chronic granulomatous disease. Last evaluated: 2025-01-06. Review status: criteria provided, single submitter. Criteria: Natera Variant Classification Schema (03/2026). Collection method: clinical testing. Allele origin: germline.
Comment: The c.7C>T variant in CYBA is a nonsense variant predicted to introduce a stop codon at amino acid 3. This variant is expected to result in nonsense mediated decay, truncation, or a dysfunctional protein product. This variant is rare in the general population with a frequency below the threshold expected for the associated phenotype(s). This variant has been observed in one or more individuals affected with the associated recessive disease, as either homozygous or compound heterozygous with a second variant (PMID: 30716179). Given the available evidence, this variant is classified as Pathogenic.

Fulgent Genetics
Classification: Pathogenic for Granulomatous disease, chronic, autosomal recessive, cytochrome b-negative. Last evaluated: 2024-06-25. Review status: criteria provided, single submitter. Criteria: ACMG Guidelines, 2015. Collection method: clinical testing. Allele origin: germline.

Labcorp Genetics (formerly Invitae), Labcorp
Classification: Pathogenic for Granulomatous disease, chronic, autosomal recessive, cytochrome b-negative. Last evaluated: 2023-09-21. Review status: criteria provided, single submitter. Criteria: Invitae Variant Classification Sherloc (09022015). Collection method: clinical testing. Allele origin: germline.
Comment: For these reasons, this variant has been classified as Pathogenic. ClinVar contains an entry for this variant (Variation ID: 2264). This sequence change creates a premature translational stop signal (p.Gln3*) in the CYBA gene. It is expected to result in an absent or disrupted protein product. Loss-of-function variants in CYBA are known to be pathogenic (PMID: 10910929, 20167518, 22876374). This premature translational stop signal has been observed in individuals with chronic granulomatous disease (PMID: 10759707, 19949658, 22336310). The frequency data for this variant in the population databases is considered unreliable, as metrics indicate poor data quality at this position in the gnomAD database.

Juno Genomics, Hangzhou Juno Genomics, Inc
Classification: Pathogenic for Granulomatous disease, chronic, autosomal recessive, cytochrome b-negative. Review status: criteria provided, single submitter. Criteria: ACMG Guidelines, 2015. Collection method: clinical testing. Allele origin: germline.
Comment: Absent from controls (or at extremely low frequency if recessive) in Genome Aggregation Database.;Null variant in a gene where loss of function (LOF) is a known mechanism of disease.;For recessive disorders, detected in trans with a pathogenic variant.;Patient's phenotype or family history is highly specific for a disease with a single genetic etiology.;Co-segregation with disease in multiple affected family members.

OMIM
Classification: Pathogenic for GRANULOMATOUS DISEASE, CHRONIC, AUTOSOMAL RECESSIVE, 4. Last evaluated: 2000-03-01. Review status: no assertion criteria provided. Collection method: literature only. Allele origin: germline. Not counted in ClinVar's aggregate classification.

Literature cited by the submitters: PubMed 32720330 (cited by Molecular Diagnostic Laboratory, Beijing Chigene Translational Medicine Research Center); PubMed 10910929 (cited by Molecular Diagnostic Laboratory, Beijing Chigene Translational Medicine Research Center and Labcorp Genetics (formerly Invitae), Labcorp); PubMed 35140711 (cited by Molecular Diagnostic Laboratory, Beijing Chigene Translational Medicine Research Center); PubMed 10759707 (cited by 3 submitters); PubMed 19949658 (cited by Molecular Diagnostic Laboratory, Beijing Chigene Translational Medicine Research Center and Labcorp Genetics (formerly Invitae), Labcorp); PubMed 29560547 (cited by Molecular Diagnostic Laboratory, Beijing Chigene Translational Medicine Research Center); PubMed 22336310 (cited by Molecular Diagnostic Laboratory, Beijing Chigene Translational Medicine Research Center and Labcorp Genetics (formerly Invitae), Labcorp); PubMed 30716179 (cited by Natera, Inc.); PubMed 20167518 (cited by Labcorp Genetics (formerly Invitae), Labcorp); PubMed 22876374 (cited by Labcorp Genetics (formerly Invitae), Labcorp).

NM_000101.4(CYBA):c.7C>T (p.Gln3Ter)

Gene: CYBA (cytochrome b-245 alpha chain; minus strand). Cytogenetic location: 16q24.2.
Variant type: single nucleotide variant.
Coding change: c.7C>T on transcript NM_000101.4 (MANE Select); coding-DNA position 7, C replaced by T.
Protein change: p.Gln3Ter; replaces glutamine 3 with a stop codon.
Molecular consequence: nonsense.
Genome position (GRCh38, 1-based): chr16:88,651,007, G>A on the plus strand (C>T on the coding strand, the complement: CYBA is on the minus strand). VCF-style: chr16-88651007-G-A. GRCh37 (hg19) VCF-style: chr16-88717415-G-A.
Other names: short protein forms Q3*.
Identifiers: ClinVar variation 2264 (VCV000002264.17), dbSNP rs104894511, ClinGen allele CA115459.